The following is an entry in ClinVar:

ClinVar aggregate classification (germline): Uncertain significance (1 of 4 stars; one submission).

Conditions:
Hereditary cancer-predisposing syndrome. Also called: Tumor predisposition; Hereditary Cancer Syndrome; Hereditary neoplastic syndrome; Neoplastic Syndromes, Hereditary. Identifiers: Orphanet 140162, MedGen C0027672, MeSH D009386, MONDO:0015356.

Allele frequency attached by ClinVar (database versions not stated): gnomAD exomes below 0.00001; ExAC 0.00001.

Submission:

Ambry Genetics
Classification: Uncertain significance for Hereditary cancer-predisposing syndrome. Last evaluated: 2016-02-26. Review status: criteria provided, single submitter. Criteria: Ambry Variant Classification Scheme 2023. Collection method: clinical testing. Allele origin: germline.
Comment: The c.*2T>G variant is located in the 3' untranslated region (3&rsquo; UTR) of the NBN gene. This variant results from a T to G substitution two base pairs after the last translated codon. This variant was not reported in population based cohorts in the following databases: Database of Single Nucleotide Polymorphisms (dbSNP), NHLBI Exome Sequencing Project (ESP), and 1000 Genomes Project. In the ESP, this variant was not observed in 6497 samples (12994 alleles) with coverage at this position. To date, this alteration has been detected with an allele frequency of approximately 0.001% (greater than 120000 alleles tested) in our clinical cohort. This nucleotide position is highly conserved in available vertebrate species. Since supporting evidence is limited at this time, the clinical significance of this alteration remains unclear.

NM_002485.5(NBN):c.*2T>G

Gene: NBN (nibrin; minus strand). Cytogenetic location: 8q21.3.
Variant type: single nucleotide variant.
Coding change: c.*2T>G on transcript NM_002485.5 (MANE Select); 2 bases downstream of the stop codon, T replaced by G.
Molecular consequence: 3 prime UTR variant.
Genome position (GRCh38, 1-based): chr8:89,935,580, A>C on the plus strand (T>G on the coding strand, the complement: NBN is on the minus strand). VCF-style: chr8-89935580-A-C. GRCh37 (hg19) VCF-style: chr8-90947808-A-C.
Other names: c.*2T>G (NM_001024688.3).
Identifiers: ClinVar variation 485912 (VCV000485912.5), dbSNP rs762074357, ClinGen allele CA4802558.